The following is an entry in ClinVar:

ClinVar aggregate classification (germline): Uncertain significance (1 of 4 stars; one submission).

Allele frequency attached by ClinVar (database versions not stated): gnomAD 0.00001; TOPMed 0.00001; ExAC 0.00002.
gnomAD v4.1: 40 of 1,613,150 alleles (0.0025%); highest among the groups gnomAD compares: Middle Eastern, 0.49%; 1 homozygote.

Submission:

Labcorp Genetics (formerly Invitae), Labcorp
Classification: Uncertain significance. Last evaluated: 2023-11-21. Review status: criteria provided, single submitter. Criteria: Invitae Variant Classification Sherloc (09022015). Collection method: clinical testing. Allele origin: germline.
Comment: This sequence change replaces valine, which is neutral and non-polar, with isoleucine, which is neutral and non-polar, at codon 152 of the GPI protein (p.Val152Ile). This variant is present in population databases (rs775128644, gnomAD 0.006%). This variant has not been reported in the literature in individuals affected with GPI-related conditions. Advanced modeling of protein sequence and biophysical properties (such as structural, functional, and spatial information, amino acid conservation, physicochemical variation, residue mobility, and thermodynamic stability) performed at Invitae indicates that this missense variant is not expected to disrupt GPI protein function with a negative predictive value of 80%. In summary, the available evidence is currently insufficient to determine the role of this variant in disease. Therefore, it has been classified as a Variant of Uncertain Significance.

NM_000175.5(GPI):c.454G>A (p.Val152Ile)

Gene: GPI (glucose-6-phosphate isomerase; plus strand). Cytogenetic location: 19q13.11.
Variant type: single nucleotide variant.
Coding change: c.454G>A on transcript NM_000175.5 (MANE Select); coding-DNA position 454, G replaced by A.
Protein change: p.Val152Ile; replaces valine 152 with isoleucine.
Molecular consequence: missense variant. On other transcripts: intron variant (2).
Genome position (GRCh38, 1-based): chr19:34,377,554, G>A. VCF-style: chr19-34377554-G-A. GRCh37 (hg19) VCF-style: chr19-34868459-G-A.
Other names: c.571G>A, p.Val191Ile (NM_001289789.1); c.454G>A, p.Val152Ile (NM_001329909.1, NM_001329910.1, NM_001329911.2); c.520-181G>A (NM_001184722.1); c.403-181G>A (NM_001289790.3); short protein forms V152I, V191I.
Identifiers: ClinVar variation 2722188 (VCV002722188.3), dbSNP rs775128644, ClinGen allele CA9367049.